The following is an entry in ClinVar:

NM_018489.3(ASH1L):c.8663T>C (p.Val2888Ala)

Gene: ASH1L (ASH1 like histone lysine methyltransferase; minus strand). Cytogenetic location: 1q22.
Variant type: single nucleotide variant.
Coding change: c.8663T>C on transcript NM_018489.3 (MANE Select); coding-DNA position 8663, T replaced by C.
Protein change: p.Val2888Ala; replaces valine 2888 with alanine.
Molecular consequence: missense variant.
Genome position (GRCh38, 1-based): chr1:155,338,229, A>G on the plus strand (T>C on the coding strand, the complement: ASH1L is on the minus strand). VCF-style: chr1-155338229-A-G. GRCh37 (hg19) VCF-style: chr1-155308020-A-G.
Other names: c.8678T>C, p.Val2893Ala (NM_001366177.2); short protein forms V2888A, V2893A.
Identifiers: ClinVar variation 3372967 (VCV003372967.1).

ClinVar aggregate classification (germline): Uncertain significance (1 of 4 stars; one submission).

Submission:

GeneDx
Classification: Uncertain significance. Last evaluated: 2024-04-27. Review status: criteria provided, single submitter. Criteria: GeneDx Variant Classification Process June 2021. Collection method: clinical testing. Allele origin: germline. Affected: yes.
Comment: Not observed at significant frequency in large population cohorts (gnomAD); In silico analysis indicates that this missense variant does not alter protein structure/function; Has not been previously published as pathogenic or benign to our knowledge